The following is an entry in ClinVar:

NM_001377.3(DYNC2H1):c.767-270G>A

Gene: DYNC2H1 (dynein cytoplasmic 2 heavy chain 1; plus strand). Cytogenetic location: 11q22.3.
Variant type: single nucleotide variant.
Coding change: c.767-270G>A on transcript NM_001377.3 (MANE Select); 270 bases into the intron before coding-DNA position 767, G replaced by A.
Molecular consequence: intron variant.
Genome position (GRCh38, 1-based): chr11:103,117,361, G>A. VCF-style: chr11-103117361-G-A. GRCh37 (hg19) VCF-style: chr11-102988090-G-A.
Other names: c.767-270G>A (NM_001080463.2).
Identifiers: ClinVar variation 674030 (VCV000674030.1), dbSNP rs12146667, ClinGen allele CA227400204.

ClinVar aggregate classification (germline): Benign (1 of 4 stars; one submission).

Allele frequency attached by ClinVar (database versions not stated): 1000 Genomes Project 0.03355; 1000 Genomes Project 30x 0.03467; gnomAD 0.04458 and 0.04556; TOPMed 0.04817.
gnomAD v4.1: 6,910 of 150,260 alleles (4.6%); highest among the groups gnomAD compares: Non-Finnish European, 6.4%; 217 homozygotes.

Submission:

GeneDx
Classification: Benign. Last evaluated: 2018-06-19. Review status: criteria provided, single submitter. Criteria: GeneDx Variant Classification (06012015). Collection method: clinical testing. Allele origin: germline. Affected: yes.
Comment: This variant is considered likely benign or benign based on one or more of the following criteria: it is a conservative change, it occurs at a poorly conserved position in the protein, it is predicted to be benign by multiple in silico algorithms, and/or has population frequency not consistent with disease.